The following is an entry in ClinVar:

NM_005458.8(GABBR2):c.2636T>C (p.Ile879Thr)

Gene: GABBR2 (gamma-aminobutyric acid type B receptor subunit 2; minus strand). Cytogenetic location: 9q22.33.
Variant type: single nucleotide variant.
Coding change: c.2636T>C on transcript NM_005458.8 (MANE Select); coding-DNA position 2636, T replaced by C.
Protein change: p.Ile879Thr; replaces isoleucine 879 with threonine.
Molecular consequence: missense variant.
Genome position (GRCh38, 1-based): chr9:98,293,809, A>G on the plus strand (T>C on the coding strand, the complement: GABBR2 is on the minus strand). VCF-style: chr9-98293809-A-G. GRCh37 (hg19) VCF-style: chr9-101056091-A-G.
Other names: short protein forms I879T.
Identifiers: ClinVar variation 1018480 (VCV001018480.8), dbSNP rs992384149, ClinGen allele CA196813932.

ClinVar aggregate classification (germline): Uncertain significance (1 of 4 stars; one submission).

Conditions:
Epileptic encephalopathy. Identifiers: MedGen C0543888, HP:0200134.

Allele frequency attached by ClinVar (database versions not stated): gnomAD exomes below 0.00001.
gnomAD v4.1: 4 of 1,591,572 alleles (0.00025%); highest among the groups gnomAD compares: South Asian, 0.0011%; no homozygotes.

Submission:

Labcorp Genetics (formerly Invitae), Labcorp
Classification: Uncertain significance for Epileptic encephalopathy. Last evaluated: 2020-06-12. Review status: criteria provided, single submitter. Criteria: Invitae Variant Classification Sherloc (09022015). Collection method: clinical testing. Allele origin: germline.
Comment: In summary, the available evidence is currently insufficient to determine the role of this variant in disease. Therefore, it has been classified as a Variant of Uncertain Significance. Algorithms developed to predict the effect of missense changes on protein structure and function are either unavailable or do not agree on the potential impact of this missense change (SIFT: "Deleterious"; PolyPhen-2: "Benign"; Align-GVGD: "Class C0"). This variant has not been reported in the literature in individuals with GABBR2-related conditions. This variant is not present in population databases (ExAC no frequency). This sequence change replaces isoleucine with threonine at codon 879 of the GABBR2 protein (p.Ile879Thr). The isoleucine residue is moderately conserved and there is a moderate physicochemical difference between isoleucine and threonine.